The following is an entry in ClinVar:

NM_001242957.3(MAK):c.1508A>C (p.Glu503Ala)

Gene: MAK (male germ cell associated kinase; minus strand). Cytogenetic location: 6p24.2.
Variant type: single nucleotide variant.
Coding change: c.1508A>C on transcript NM_001242957.3 (MANE Select); coding-DNA position 1508, A replaced by C.
Protein change: p.Glu503Ala; replaces glutamic acid 503 with alanine.
Molecular consequence: missense variant. On other transcripts: non-coding transcript variant (2).
Genome position (GRCh38, 1-based): chr6:10,775,417, T>G on the plus strand (A>C on the coding strand, the complement: MAK is on the minus strand). VCF-style: chr6-10775417-T-G. GRCh37 (hg19) VCF-style: chr6-10775650-T-G.
Other names: c.1508A>C, p.Glu503Ala (NM_001242385.2, NM_005906.6); c.1406A>C, p.Glu469Ala (NM_001377262.1); short protein forms E503A, E469A.
Identifiers: ClinVar variation 2006515 (VCV002006515.4), dbSNP rs2532286163, ClinGen allele CA362715866.
Genomic context (GRCh38, chr6:10,775,417, plus strand): 5'-GCCCCAACGGGTCCCAGTGACTTGGGGAATAACTGGTTGCTCCAAGTGTGGGGGTTTATT[T>G]CCTTTCCACTGGCTATCAAGGACACCTTCTTGGGATTCACACCTGAGAAGAACAAAACAA-3'
Protein context (NP_001229886.1, residues 493-513): KKVSLIASGK[Glu503Ala]INPHTWSNQL

ClinVar aggregate classification (germline): Uncertain significance (1 of 4 stars; one submission).

Allele frequency attached by ClinVar (database versions not stated): gnomAD exomes below 0.00001.
gnomAD v4.1: 1 of 1,613,918 alleles (0.000062%); highest among the groups gnomAD compares: Non-Finnish European, 0.000085%; no homozygotes.

Submission:

Labcorp Genetics (formerly Invitae), Labcorp
Classification: Uncertain significance. Last evaluated: 2022-06-14. Review status: criteria provided, single submitter. Criteria: Invitae Variant Classification Sherloc (09022015). Collection method: clinical testing. Allele origin: germline.
Comment: This sequence change replaces glutamic acid, which is acidic and polar, with alanine, which is neutral and non-polar, at codon 503 of the MAK protein (p.Glu503Ala). This variant is not present in population databases (gnomAD no frequency). This variant has not been reported in the literature in individuals affected with MAK-related conditions. Advanced modeling of protein sequence and biophysical properties (such as structural, functional, and spatial information, amino acid conservation, physicochemical variation, residue mobility, and thermodynamic stability) performed at Invitae indicates that this missense variant is not expected to disrupt MAK protein function. In summary, the available evidence is currently insufficient to determine the role of this variant in disease. Therefore, it has been classified as a Variant of Uncertain Significance.